The following is an entry in ClinVar:

NM_001372051.1(CASP8):c.789A>G (p.Thr263=)

Gene: CASP8 (caspase 8; plus strand). Cytogenetic location: 2q33.1.
Variant type: single nucleotide variant.
Coding change: c.789A>G on transcript NM_001372051.1 (MANE Select); coding-DNA position 789, A replaced by G.
Protein change: p.Thr263=; no amino-acid change (threonine 263 retained).
Molecular consequence: synonymous variant. On other transcripts: 3 prime UTR variant (1), non-coding transcript variant (21), intron variant (4).
Genome position (GRCh38, 1-based): chr2:201,276,955, A>G. VCF-style: chr2-201276955-A-G. GRCh37 (hg19) VCF-style: chr2-202141678-A-G.
Other names: c.744A>G, p.Thr248= (NM_001080124.2, NM_001400658.1, NM_001400659.1 and 5 more transcripts); c.966A>G, p.Thr322= (NM_001080125.2); c.840A>G, p.Thr280= (NM_001228.5); c.921A>G, p.Thr307= (NM_001400642.1); c.822A>G, p.Thr274= (NM_001400645.1); c.789A>G, p.Thr263= (NM_001400648.1, NM_001400651.1, NM_001400653.1 and 6 more transcripts); c.720A>G, p.Thr240= (NM_001400664.1); c.480A>G, p.Thr160= (NM_001400669.1); and 7 more.
Identifiers: ClinVar variation 333502 (VCV000333502.15), dbSNP rs35142591, ClinGen allele CA2053661.
Genomic context (GRCh38, chr2:201,276,955, plus strand): 5'-TTTTGCAAAAGCACGGGAGAAAGTGCCCAAACTTCACAGCATTAGGGACAGGAATGGAAC[A>G]CACTTGGATGCAGGTACAGTAGAACCCAAAAGAGAAAAGTAAAATATTTCTTATGCCTAT-3'
Protein context (NP_001358980.1, residues 253-273): KLHSIRDRNG[Thr263=]HLDAGALTTT

ClinVar aggregate classification (germline): Benign. Review status: criteria provided, multiple submitters, no conflicts (2 of 4 stars). 2 submissions from 2 submitters: Benign (2). Last evaluated 2026-02-04.

Conditions:
Autoimmune lymphoproliferative syndrome type 2B. Also called: AUTOIMMUNE LYMPHOPROLIFERATIVE SYNDROME, TYPE IIB. Identifiers: Orphanet 275517, MedGen C1846545, MONDO:0011804, OMIM 607271.

Allele frequency attached by ClinVar (database versions not stated): gnomAD 0.00051 and 0.00097; gnomAD exomes 0.00122 and 0.00214; TOPMed 0.00124; ExAC 0.00231; 1000 Genomes Project 30x 0.00640; 1000 Genomes Project 0.00719.
gnomAD v4.1: 1,920 of 1,613,146 alleles (0.12%); highest among the groups gnomAD compares: East Asian, 3.8%; 47 homozygotes.

Submissions (2):

Labcorp Genetics (formerly Invitae), Labcorp
Classification: Benign for Autoimmune lymphoproliferative syndrome type 2B. Last evaluated: 2026-02-04. Review status: criteria provided, single submitter. Criteria: Invitae Variant Classification Sherloc (09022015). Collection method: clinical testing. Allele origin: germline.

Illumina Laboratory Services, Illumina
Classification: Benign for Autoimmune lymphoproliferative syndrome type 2B. Last evaluated: 2018-01-13. Review status: criteria provided, single submitter. Criteria: ICSL Variant Classification Criteria 13 December 2019. Collection method: clinical testing. Allele origin: germline.
Comment: This variant was observed in the ICSL laboratory as part of a predisposition screen in an ostensibly healthy population. It had not been previously curated by ICSL or reported in the Human Gene Mutation Database (HGMD: prior to June 1st, 2018), and was therefore a candidate for classification through an automated scoring system. Utilizing variant allele frequency, disease prevalence and penetrance estimates, and inheritance mode, an automated score was calculated to assess if this variant is too frequent to cause the disease. Based on the score and internal cut-off values, a variant classified as benign is not then subjected to further curation. The score for this variant resulted in a classification of benign for this disease.